The following is an entry in ClinVar:

ClinVar aggregate classification (germline): Uncertain significance (1 of 4 stars; one submission).

Submission:

CeGaT Center for Human Genetics Tuebingen
Classification: Uncertain significance. Last evaluated: 2023-11-01. Review status: criteria provided, single submitter. Criteria: CeGaT Center For Human Genetics Tuebingen Variant Classification Criteria Version 2. Collection method: clinical testing. Allele origin: germline. Affected: yes. Observed: 1 variant allele.
Comment: GABRG2: PM2, PVS1:Moderate

NM_198904.4(GABRG2):c.1129-2A>C

Gene: GABRG2 (gamma-aminobutyric acid type A receptor subunit gamma2; plus strand). Cytogenetic location: 5q34.
Variant type: single nucleotide variant.
Coding change: c.1129-2A>C on transcript NM_198904.4 (MANE Select); the canonical splice acceptor site of the intron before coding-DNA position 1129, A replaced by C.
Molecular consequence: splice acceptor variant. On other transcripts: intron variant (6).
Genome position (GRCh38, 1-based): chr5:162,151,728, A>C. VCF-style: chr5-162151728-A-C. GRCh37 (hg19) VCF-style: chr5-161578734-A-C.
Other names: c.844-1365A>C (NM_001375349.1); c.1249-1365A>C (NM_001375343.1); c.1168-2A>C (NM_001375344.1); c.923-2A>C (NM_001375340.1); c.1126-2A>C (NM_001375341.1); c.1126-1365A>C (NM_001375342.1); c.709-2A>C (NM_001375350.1); c.709-1365A>C (NM_001375348.1); and 6 more.
Identifiers: ClinVar variation 2673037 (VCV002673037.23), dbSNP rs2532767101, ClinGen allele CA362182757.